The following is an entry in ClinVar:

NM_014804.3(KIAA0753):c.2512C>T (p.Arg838Cys)

Gene: KIAA0753 (KIAA0753; minus strand). Cytogenetic location: 17p13.1.
Variant type: single nucleotide variant.
Coding change: c.2512C>T on transcript NM_014804.3 (MANE Select); coding-DNA position 2512, C replaced by T.
Protein change: p.Arg838Cys; replaces arginine 838 with cysteine.
Molecular consequence: missense variant. On other transcripts: non-coding transcript variant (3).
Genome position (GRCh38, 1-based): chr17:6,590,559, G>A on the plus strand (C>T on the coding strand, the complement: KIAA0753 is on the minus strand). VCF-style: chr17-6590559-G-A. GRCh37 (hg19) VCF-style: chr17-6493879-G-A.
Other names: c.1615C>T, p.Arg539Cys (NM_001351225.2); c.2512C>T (NM_014804.2); short protein forms R539C, R838C.
Identifiers: ClinVar variation 1404125 (VCV001404125.6), dbSNP rs750057894, ClinGen allele CA8330125.

ClinVar aggregate classification (germline): Uncertain significance. Review status: criteria provided, multiple submitters, no conflicts (2 of 4 stars). 2 submissions from 2 submitters: Uncertain significance (2). Last evaluated 2021-10-11.

Conditions:
Inborn genetic diseases. Identifiers: MedGen C0950123, MeSH D030342.

Allele frequency attached by ClinVar (database versions not stated): ExAC 0.00001; gnomAD 0.00001; gnomAD exomes 0.00001; TOPMed 0.00001.
gnomAD v4.1: 16 of 1,613,938 alleles (0.00099%); highest among the groups gnomAD compares: South Asian, 0.0022%; no homozygotes.

Submissions (2):

Ambry Genetics
Classification: Uncertain significance for Inborn genetic diseases. Last evaluated: 2021-10-11. Review status: criteria provided, single submitter. Criteria: Ambry Variant Classification Scheme 2023. Collection method: clinical testing. Allele origin: germline.

Labcorp Genetics (formerly Invitae), Labcorp
Classification: Uncertain significance. Last evaluated: 2021-08-14. Review status: criteria provided, single submitter. Criteria: Invitae Variant Classification Sherloc (09022015). Collection method: clinical testing. Allele origin: germline.
Comment: This sequence change replaces arginine with cysteine at codon 838 of the KIAA0753 protein (p.Arg838Cys). The arginine residue is moderately conserved and there is a large physicochemical difference between arginine and cysteine. This variant is present in population databases (rs750057894, ExAC 0.001%). This variant has not been reported in the literature in individuals affected with KIAA0753-related conditions. Algorithms developed to predict the effect of missense changes on protein structure and function (SIFT, PolyPhen-2, Align-GVGD) all suggest that this variant is likely to be disruptive. In summary, the available evidence is currently insufficient to determine the role of this variant in disease. Therefore, it has been classified as a Variant of Uncertain Significance.